The following is an entry in ClinVar:

ClinVar aggregate classification (germline): Uncertain significance. Review status: criteria provided, multiple submitters, no conflicts (2 of 4 stars). 2 submissions from 2 submitters: Uncertain significance (2). Last evaluated 2025-06-07.

Conditions:
PLXNA3-related disorder. Also called: PLXNA3-related condition.

gnomAD v4.1: 43 of 1,206,738 alleles (0.0036%); highest among the groups gnomAD compares: Non-Finnish European, 0.0044%; no homozygotes.

Submissions (2):

Ambry Genetics
Classification: Uncertain significance. Last evaluated: 2025-06-07. Review status: criteria provided, single submitter. Criteria: Ambry Variant Classification Scheme 2023. Collection method: clinical testing. Allele origin: germline.

PreventionGenetics, part of Exact Sciences
Classification: Uncertain significance for PLXNA3-related condition. Last evaluated: 2025-02-13. Review status: criteria provided, single submitter. Criteria: ACMG Guidelines, 2015. Collection method: clinical testing. Allele origin: germline.
Comment: The PLXNA3 c.4778G>A variant is predicted to result in the amino acid substitution p.Arg1593His. To our knowledge, this variant has not been reported in the literature. This variant is reported in 0.0012% of alleles (1 hemizygote) in individuals of European (Non-Finnish) descent in gnomAD. At this time, the clinical significance of this variant is uncertain due to the absence of conclusive functional and genetic evidence.

NM_017514.5(PLXNA3):c.4778G>A (p.Arg1593His)

Gene: PLXNA3 (plexin A3; plus strand). Cytogenetic location: Xq28.
Variant type: single nucleotide variant.
Coding change: c.4778G>A on transcript NM_017514.5 (MANE Select); coding-DNA position 4778, G replaced by A.
Protein change: p.Arg1593His; replaces arginine 1593 with histidine.
Molecular consequence: missense variant.
Genome position (GRCh38, 1-based): chrX:154,469,767, G>A. VCF-style: chrX-154469767-G-A. GRCh37 (hg19) VCF-style: chrX-153698110-G-A.
Other names: short protein forms R1593H.
Identifiers: ClinVar variation 3934801 (VCV003934801.2).